The following is an entry in ClinVar:

NM_001252024.2(TRPM1):c.3089G>T (p.Trp1030Leu)

Genes: TRPM1 (transient receptor potential cation channel subfamily M member 1; minus strand), TRPM1-AS1 (TRPM1 antisense RNA 1; plus strand). Cytogenetic location: 15q13.3.
Variant type: single nucleotide variant.
Coding change: c.3089G>T on transcript NM_001252024.2 (MANE Select); coding-DNA position 3089, G replaced by T.
Protein change: p.Trp1030Leu; replaces tryptophan 1030 with leucine.
Molecular consequence: missense variant.
Genome position (GRCh38, 1-based): chr15:31,031,021, C>A on the plus strand (G>T on the coding strand, the complement: TRPM1 is on the minus strand). VCF-style: chr15-31031021-C-A. GRCh37 (hg19) VCF-style: chr15-31323224-C-A.
Other names: c.3140G>T, p.Trp1047Leu (NM_001252020.2); c.3023G>T, p.Trp1008Leu (NM_002420.6); short protein forms W1008L, W1030L, W1047L.
Identifiers: ClinVar variation 970863 (VCV000970863.9), dbSNP rs752584934, ClinGen allele CA391544476.

ClinVar aggregate classification (germline): Uncertain significance (1 of 4 stars; one submission).

Submission:

Labcorp Genetics (formerly Invitae), Labcorp
Classification: Uncertain significance. Last evaluated: 2019-11-01. Review status: criteria provided, single submitter. Criteria: Invitae Variant Classification Sherloc (09022015). Collection method: clinical testing. Allele origin: germline.
Comment: Algorithms developed to predict the effect of missense changes on protein structure and function are either unavailable or do not agree on the potential impact of this missense change (SIFT: "Deleterious"; PolyPhen-2: "Probably Damaging"; Align-GVGD: "Class C0"). In summary, the available evidence is currently insufficient to determine the role of this variant in disease. Therefore, it has been classified as a Variant of Uncertain Significance. This variant has not been reported in the literature in individuals with TRPM1-related conditions. This sequence change replaces tryptophan with leucine at codon 1008 of the TRPM1 protein (p.Trp1008Leu). The tryptophan residue is highly conserved and there is a small physicochemical difference between tryptophan and leucine. This variant is not present in population databases (ExAC no frequency).